The following is an entry in ClinVar:

NM_006393.3(NEBL):c.1227+1G>A

Gene: NEBL (nebulette; minus strand). Cytogenetic location: 10p12.31.
Variant type: single nucleotide variant.
Coding change: c.1227+1G>A on transcript NM_006393.3 (MANE Select); the canonical splice donor site of the intron after coding-DNA position 1227, G replaced by A.
Molecular consequence: splice donor variant. On other transcripts: intron variant (9).
Genome position (GRCh38, 1-based): chr10:20,845,257, C>T on the plus strand (G>A on the coding strand, the complement: NEBL is on the minus strand). VCF-style: chr10-20845257-C-T. GRCh37 (hg19) VCF-style: chr10-21134186-C-T.
Other names: c.250-32317G>A (NM_001377326.1, NM_001377327.1, NM_001377328.1); c.358-32317G>A (NM_213569.2, NM_001173484.2, NM_001377322.1); c.301-32317G>A (NM_001377324.1); c.292-32317G>A (NM_001377325.1); c.310-32317G>A (NM_001377323.1).
Identifiers: ClinVar variation 948924 (VCV000948924.8), dbSNP rs1841789797, ClinGen allele CA376099519.

ClinVar aggregate classification (germline): Uncertain significance (1 of 4 stars; one submission).

Conditions:
Primary dilated cardiomyopathy (DCM). Also called: Dilated Cardiomyopathy. Identifiers: Orphanet 217604, MedGen C0007193, MeSH D002311, MONDO:0005021, HP:0001644. Inheritance: Various modes of inheritance.

Submission:

Labcorp Genetics (formerly Invitae), Labcorp
Classification: Uncertain significance for Primary dilated cardiomyopathy. Last evaluated: 2019-06-09. Review status: criteria provided, single submitter. Criteria: Invitae Variant Classification Sherloc (09022015). Collection method: clinical testing. Allele origin: germline.
Comment: This variant has not been reported in the literature in individuals with NEBL-related conditions. This variant is not present in population databases (ExAC no frequency). This sequence change affects a donor splice site in intron 12 of the NEBL gene. It is expected to disrupt RNA splicing and likely results in an absent or disrupted protein product. Algorithms developed to predict the effect of sequence changes on RNA splicing suggest that this variant may disrupt the consensus splice site, but this prediction has not been confirmed by published transcriptional studies. In summary, the available evidence is currently insufficient to determine the role of this variant in disease. Therefore, it has been classified as a Variant of Uncertain Significance. The current clinical and genetic evidence is not sufficient to establish whether loss-of-function variants in NEBL cause disease.